The following is an entry in ClinVar:

NM_024426.6(WT1):c.376G>C (p.Gly126Arg)

Genes: WT1 (WT1 transcription factor; minus strand), LOC107982234 (WT1/WT1-AS bi-directional promoter region; plus strand). Cytogenetic location: 11p13.
Variant type: single nucleotide variant.
Coding change: c.376G>C on transcript NM_024426.6 (MANE Select); coding-DNA position 376, G replaced by C.
Protein change: p.Gly126Arg; replaces glycine 126 with arginine.
Molecular consequence: missense variant. On other transcripts: non-coding transcript variant (1).
Genome position (GRCh38, 1-based): chr11:32,434,985, C>G on the plus strand (G>C on the coding strand, the complement: WT1 is on the minus strand). VCF-style: chr11-32434985-C-G. GRCh37 (hg19) VCF-style: chr11-32456531-C-G.
Other names: c.376G>C, p.Gly126Arg (NM_000378.6, NM_001407044.1, NM_001407045.1 and 6 more transcripts); c.361G>C, p.Gly121Arg (NM_024425.2); c.361G>C (NM_024426.4); short protein forms G121R, G126R.
Identifiers: ClinVar variation 1981784 (VCV001981784.7), dbSNP rs1853454814, ClinGen allele CA379965820.

ClinVar aggregate classification (germline): Conflicting classifications of pathogenicity. Review status: criteria provided, conflicting classifications (1 of 4 stars). 3 submissions from 3 submitters: Uncertain significance (2); Likely benign (1). Last evaluated 2026-06-29.

Conditions:
Inborn genetic diseases. Identifiers: MedGen C0950123, MeSH D030342.
Wilms tumor 1 (WT1). Also called: Wilms tumor, somatic. Identifiers: Orphanet 654, MedGen CN033288, MONDO:0008679, OMIM 194070.
11p partial monosomy syndrome (WAGR). Also called: CHROMOSOME 11p13 DELETION SYNDROME; WAGR syndrome; WAGR Complex; WAGR Spectrum Disorder. Identifiers: Orphanet 893, MedGen C0206115, MONDO:0008681, OMIM 194072.
Drash syndrome (DDS). Also called: NEPHROPATHY, WILMS TUMOR, AND GENITAL ANOMALIES; WILMS TUMOR AND PSEUDO- OR TRUE HERMAPHRODITISM. Identifiers: Orphanet 220, MedGen C0950121, MONDO:0008682, OMIM 194080.
Frasier syndrome. Identifiers: Orphanet 347, MedGen C0950122, MeSH D052159, MONDO:0007635, OMIM 136680.

Allele frequency attached by ClinVar (database versions not stated): TOPMed 0.00001.
gnomAD v4.1: 2 of 1,513,794 alleles (0.00013%); highest among the groups gnomAD compares: Non-Finnish European, 0.00018%; no homozygotes.

Submissions (3):

Ambry Genetics
Classification: Likely benign for Inborn genetic diseases. Last evaluated: 2026-06-29. Review status: criteria provided, single submitter. Criteria: Ambry Variant Classification Scheme 2023. Collection method: clinical testing. Allele origin: germline.

Labcorp Genetics (formerly Invitae), Labcorp
Classification: Uncertain significance for Wilms tumor 1; Drash syndrome; 11p partial monosomy syndrome; Frasier syndrome. Last evaluated: 2025-12-17. Review status: criteria provided, single submitter. Criteria: Invitae Variant Classification Sherloc (09022015). Collection method: clinical testing. Allele origin: germline.
Comment: This sequence change replaces glycine, which is neutral and non-polar, with arginine, which is basic and polar, at codon 121 of the WT1 protein (p.Gly121Arg). This variant is not present in population databases (gnomAD no frequency). This variant has not been reported in the literature in individuals affected with WT1-related conditions. ClinVar contains an entry for this variant (Variation ID: 1981784). Invitae Evidence Modeling of protein sequence and biophysical properties (such as structural, functional, and spatial information, amino acid conservation, physicochemical variation, residue mobility, and thermodynamic stability) has been performed for this missense variant. However, the output from this modeling did not meet the statistical confidence thresholds required to predict the impact of this variant on WT1 protein function. In summary, the available evidence is currently insufficient to determine the role of this variant in disease. Therefore, it has been classified as a Variant of Uncertain Significance.

All of Us Research Program, National Institutes of Health
Classification: Uncertain significance for Wilms tumor 1. Last evaluated: 2023-05-16. Review status: criteria provided, single submitter. Criteria: ACMG Guidelines, 2015. Collection method: clinical testing. Allele origin: germline. Inheritance: Autosomal dominant inheritance. Observed: 1 variant allele, 1 heterozygote.
Comment: This missense variant replaces glycine with arginine at codon 121 in the WT1 protein. Computational prediction suggests that this variant may not impact protein structure and function (internally defined REVEL score threshold <= 0.5, PMID: 27666373). To our knowledge, functional studies have not been reported for this variant. This variant has not been reported in individuals affected with WT1-related disorders in the literature. This variant has not been identified in the general population by the Genome Aggregation Database (gnomAD). The available evidence is insufficient to determine the role of this variant in disease conclusively. Therefore, this variant is classified as a Variant of Uncertain Significance.

This study involves interpretation of variants in research participants for the purpose of population health screening. Participant phenotype was not available at the time of variant classification. Additional details can be found in publication PMID: 35346344, PMCID: PMC8962531